The following is an entry in ClinVar:

ClinVar aggregate classification (germline): Uncertain significance (1 of 4 stars; one submission).

gnomAD v4.1: 1 of 1,614,206 alleles (0.000062%); highest among the groups gnomAD compares: Non-Finnish European, 0.000085%; no homozygotes.

Submission:

GeneDx
Classification: Uncertain significance. Last evaluated: 2024-08-26. Review status: criteria provided, single submitter. Criteria: GeneDx Variant Classification Process June 2021. Collection method: clinical testing. Allele origin: germline. Affected: yes.
Comment: Not observed at significant frequency in large population cohorts (gnomAD); In silico analysis supports that this missense variant has a deleterious effect on protein structure/function; Has not been previously published as pathogenic or benign to our knowledge

NM_007118.4(TRIO):c.8117G>T (p.Cys2706Phe)

Genes: TRIO (trio Rho guanine nucleotide exchange factor; plus strand), LOC126807323 (CDK7 strongly-dependent group 2 enhancer GRCh37_chr5:14497716-14498915; plus strand). Cytogenetic location: 5p15.2.
Variant type: single nucleotide variant.
Coding change: c.8117G>T on transcript NM_007118.4 (MANE Select); coding-DNA position 8117, G replaced by T.
Protein change: p.Cys2706Phe; replaces cysteine 2706 with phenylalanine.
Molecular consequence: missense variant. On other transcripts: non-coding transcript variant (1).
Genome position (GRCh38, 1-based): chr5:14,498,158, G>T. VCF-style: chr5-14498158-G-T. GRCh37 (hg19) VCF-style: chr5-14498267-G-T.
Other names: short protein forms C2706F.
Identifiers: ClinVar variation 3766326 (VCV003766326.1).